The following is an entry in ClinVar:

NM_004082.5(DCTN1):c.198G>C (p.Lys66Asn)

Gene: DCTN1 (dynactin subunit 1; minus strand). Cytogenetic location: 2p13.1.
Variant type: single nucleotide variant.
Coding change: c.198G>C on transcript NM_004082.5 (MANE Select); coding-DNA position 198, G replaced by C.
Protein change: p.Lys66Asn; replaces lysine 66 with asparagine.
Molecular consequence: missense variant. On other transcripts: non-coding transcript variant (1).
Genome position (GRCh38, 1-based): chr2:74,378,081, C>G on the plus strand (G>C on the coding strand, the complement: DCTN1 is on the minus strand). VCF-style: chr2-74378081-C-G. GRCh37 (hg19) VCF-style: chr2-74605208-C-G.
Other names: c.198G>C, p.Lys66Asn (NM_001135040.3, NM_001190837.2); c.147G>C, p.Lys49Asn (NM_001190836.2, NM_001378991.1, NM_001378992.1); short protein forms K49N, K66N.
Identifiers: ClinVar variation 1783943 (VCV001783943.2), dbSNP rs2529216226, ClinGen allele CA347322110.
Genomic context (GRCh38, chr2:74,378,081, plus strand): 5'-GCCATGCCCTTCATCACAAGTGAAGTACTTCCTGCCTTGAACAGTTCCATCATTTTTGCC[C>G]TTTGCTTCATCCAGAATCACGCCTACCCATTTGCCAGTGGCAAACAGTGTGGCTCCAACA-3'
Protein context (NP_004073.2, residues 56-76): KWVGVILDEA[Lys66Asn]GKNDGTVQGR

ClinVar aggregate classification (germline): Uncertain significance (1 of 4 stars; one submission).

Conditions:
Inborn genetic diseases. Identifiers: MedGen C0950123, MeSH D030342.

Submission:

Ambry Genetics
Classification: Uncertain significance for Inborn genetic diseases. Last evaluated: 2022-06-21. Review status: criteria provided, single submitter. Criteria: Ambry Variant Classification Scheme 2023. Collection method: clinical testing. Allele origin: germline.
Comment: The p.K66N variant (also known as c.198G>C), located in coding exon 2 of the DCTN1 gene, results from a G to C substitution at nucleotide position 198. The lysine at codon 66 is replaced by asparagine, an amino acid with similar properties. This amino acid position is conserved. In addition, this alteration is predicted to be tolerated by in silico analysis. Since supporting evidence is limited at this time, the clinical significance of this alteration remains unclear.